The following is an entry in ClinVar:

ClinVar aggregate classification (germline): Uncertain significance (1 of 4 stars; one submission).

Conditions:
Inborn genetic diseases. Identifiers: MedGen C0950123, MeSH D030342.

Allele frequency attached by ClinVar (database versions not stated): gnomAD exomes below 0.00001.
gnomAD v4.1: 3 of 1,612,584 alleles (0.00019%); highest among the groups gnomAD compares: Non-Finnish European, 0.00025%; no homozygotes.

Submission:

Ambry Genetics
Classification: Uncertain significance for Inborn genetic diseases. Last evaluated: 2023-05-05. Review status: criteria provided, single submitter. Criteria: Ambry Variant Classification Scheme 2023. Collection method: clinical testing. Allele origin: germline.
Comment: The p.I774T variant (also known as c.2321T>C), located in coding exon 18 of the BUB1B gene, results from a T to C substitution at nucleotide position 2321. The isoleucine at codon 774 is replaced by threonine, an amino acid with similar properties. This amino acid position is conserved. In addition, this alteration is predicted to be tolerated by in silico analysis. Since supporting evidence is limited at this time, the clinical significance of this alteration remains unclear.

NM_001211.6(BUB1B):c.2321T>C (p.Ile774Thr)

Gene: BUB1B (BUB1 mitotic checkpoint serine/threonine kinase B; plus strand). Cytogenetic location: 15q15.1.
Variant type: single nucleotide variant.
Coding change: c.2321T>C on transcript NM_001211.6 (MANE Select); coding-DNA position 2321, T replaced by C.
Protein change: p.Ile774Thr; replaces isoleucine 774 with threonine.
Molecular consequence: missense variant.
Genome position (GRCh38, 1-based): chr15:40,210,146, T>C. VCF-style: chr15-40210146-T-C. GRCh37 (hg19) VCF-style: chr15-40502347-T-C.
Other names: short protein forms I774T.
Identifiers: ClinVar variation 2565460 (VCV002565460.2), dbSNP rs2542572750, ClinGen allele CA391694914.